The following is an entry in ClinVar:

ClinVar aggregate classification (germline): Benign. Review status: criteria provided, multiple submitters, no conflicts (2 of 4 stars). 5 submissions from 5 submitters: Benign (5). Last evaluated 2026-02-02.

Conditions:
Erythrocytosis, familial, 4 (ECYT4). Identifiers: Orphanet 247511, MedGen C2673187, MONDO:0012729, OMIM 611783.

Allele frequency attached by ClinVar (database versions not stated): gnomAD exomes 0.03169; ExAC 0.04624; gnomAD 0.06431 and 0.06797; ESP Exome Variant Server 0.07204; TOPMed 0.07292; 1000 Genomes Project 30x 0.07854; 1000 Genomes Project 0.07947.
gnomAD v4.1: 42,738 of 1,603,674 alleles (2.7%); highest among the groups gnomAD compares: African/African-American, 18%; 1,840 homozygotes.

Submissions (24):

Labcorp Genetics (formerly Invitae), Labcorp
Classification: Benign. Last evaluated: 2026-02-02. Review status: criteria provided, single submitter. Criteria: Invitae Variant Classification Sherloc (09022015). Collection method: clinical testing. Allele origin: germline.

ARUP Laboratories, Molecular Genetics and Genomics, ARUP Laboratories
Classification: Benign for Erythrocytosis, familial, 4. Last evaluated: 2025-07-22. Review status: criteria provided, single submitter. Criteria: ARUP Molecular Germline Variant Investigation Process 2024. Collection method: clinical testing. Allele origin: germline.

GeneDx
Classification: Benign. Last evaluated: 2018-06-22. Review status: criteria provided, single submitter. Criteria: GeneDx Variant Classification Process June 2021. Collection method: clinical testing. Allele origin: germline. Affected: yes.

Illumina Laboratory Services, Illumina
Classification: Benign for Erythrocytosis, familial, 4. Last evaluated: 2018-01-12. Review status: criteria provided, single submitter. Criteria: ICSL Variant Classification Criteria 13 December 2019. Collection method: clinical testing. Allele origin: germline.
Comment: This variant was observed in the ICSL laboratory as part of a predisposition screen in an ostensibly healthy population. It had not been previously curated by ICSL or reported in the Human Gene Mutation Database (HGMD: prior to June 1st, 2018), and was therefore a candidate for classification through an automated scoring system. Utilizing variant allele frequency, disease prevalence and penetrance estimates, and inheritance mode, an automated score was calculated to assess if this variant is too frequent to cause the disease. Based on the score and internal cut-off values, a variant classified as benign is not then subjected to further curation. The score for this variant resulted in a classification of benign for this disease.

Breakthrough Genomics
Classification: Benign. Review status: criteria provided, single submitter. Criteria: ACMG Guidelines, 2015. Collection method: not provided. Allele origin: germline. Inheritance: Autosomal dominant inheritance. Affected: yes.

Dr. Peter K. Rogan Lab, Western University
No classification provided (evidence only). Condition: Lung cancer. Review status: no classification provided. Collection method: in vitro. Allele origin: not applicable. Functional consequence: retained intron. Not counted in ClinVar's aggregate classification.

Dr. Peter K. Rogan Lab, Western University
No classification provided (evidence only). Condition: Sarcoma. Review status: no classification provided. Collection method: in vitro. Allele origin: not applicable. Functional consequence: retained intron. Not counted in ClinVar's aggregate classification.

Dr. Peter K. Rogan Lab, Western University
No classification provided (evidence only). Condition: Cholangiocarcinoma. Review status: no classification provided. Collection method: in vitro. Allele origin: not applicable. Functional consequence: retained intron. Not counted in ClinVar's aggregate classification.

Dr. Peter K. Rogan Lab, Western University
No classification provided (evidence only). Condition: Ovarian serous cystadenocarcinoma. Review status: no classification provided. Collection method: in vitro. Allele origin: not applicable. Functional consequence: retained intron. Not counted in ClinVar's aggregate classification.

Dr. Peter K. Rogan Lab, Western University
No classification provided (evidence only). Condition: Ovarian serous cystadenocarcinoma. Review status: no classification provided. Collection method: in vitro. Allele origin: not applicable. Functional consequence: retained intron. Not counted in ClinVar's aggregate classification.

Dr. Peter K. Rogan Lab, Western University
No classification provided (evidence only). Condition: Gastric cancer. Review status: no classification provided. Collection method: in vitro. Allele origin: not applicable. Functional consequence: retained intron. Not counted in ClinVar's aggregate classification.

Dr. Peter K. Rogan Lab, Western University
No classification provided (evidence only). Condition: Gastric cancer. Review status: no classification provided. Collection method: in vitro. Allele origin: not applicable. Functional consequence: retained intron. Not counted in ClinVar's aggregate classification.

Dr. Peter K. Rogan Lab, Western University
No classification provided (evidence only). Condition: Familial pancreatic carcinoma. Review status: no classification provided. Collection method: in vitro. Allele origin: not applicable. Functional consequence: retained intron. Not counted in ClinVar's aggregate classification.

Dr. Peter K. Rogan Lab, Western University
No classification provided (evidence only). Condition: Familial pancreatic carcinoma. Review status: no classification provided. Collection method: in vitro. Allele origin: not applicable. Functional consequence: retained intron. Not counted in ClinVar's aggregate classification.

Dr. Peter K. Rogan Lab, Western University
No classification provided (evidence only). Condition: Hepatocellular carcinoma. Review status: no classification provided. Collection method: in vitro. Allele origin: not applicable. Functional consequence: skipped exon, retained intron. Not counted in ClinVar's aggregate classification.

Dr. Peter K. Rogan Lab, Western University
No classification provided (evidence only). Condition: Hepatocellular carcinoma. Review status: no classification provided. Collection method: in vitro. Allele origin: not applicable. Functional consequence: retained intron. Not counted in ClinVar's aggregate classification.

Dr. Peter K. Rogan Lab, Western University
No classification provided (evidence only). Condition: Hepatocellular carcinoma. Review status: no classification provided. Collection method: in vitro. Allele origin: not applicable. Functional consequence: retained intron. Not counted in ClinVar's aggregate classification.

Dr. Peter K. Rogan Lab, Western University
No classification provided (evidence only). Condition: Hepatocellular carcinoma. Review status: no classification provided. Collection method: in vitro. Allele origin: not applicable. Functional consequence: retained intron. Not counted in ClinVar's aggregate classification.

Dr. Peter K. Rogan Lab, Western University
No classification provided (evidence only). Condition: Hepatocellular carcinoma. Review status: no classification provided. Collection method: in vitro. Allele origin: not applicable. Functional consequence: retained intron. Not counted in ClinVar's aggregate classification.

Dr. Peter K. Rogan Lab, Western University
No classification provided (evidence only). Condition: Hepatocellular carcinoma. Review status: no classification provided. Collection method: in vitro. Allele origin: not applicable. Functional consequence: retained intron. Not counted in ClinVar's aggregate classification.

Dr. Peter K. Rogan Lab, Western University
No classification provided (evidence only). Condition: Hepatocellular carcinoma. Review status: no classification provided. Collection method: in vitro. Allele origin: not applicable. Functional consequence: retained intron. Not counted in ClinVar's aggregate classification.

Dr. Peter K. Rogan Lab, Western University
No classification provided (evidence only). Condition: Hepatocellular carcinoma. Review status: no classification provided. Collection method: in vitro. Allele origin: not applicable. Functional consequence: retained intron. Not counted in ClinVar's aggregate classification.

Dr. Peter K. Rogan Lab, Western University
No classification provided (evidence only). Condition: Hepatocellular carcinoma. Review status: no classification provided. Collection method: in vitro. Allele origin: not applicable. Functional consequence: retained intron. Not counted in ClinVar's aggregate classification.

Dr. Peter K. Rogan Lab, Western University
No classification provided (evidence only). Condition: Hepatocellular carcinoma. Review status: no classification provided. Collection method: in vitro. Allele origin: not applicable. Functional consequence: retained intron. Not counted in ClinVar's aggregate classification.

NM_001430.5(EPAS1):c.780-15T>A

Gene: EPAS1 (endothelial PAS domain protein 1; plus strand). Cytogenetic location: 2p21.
Variant type: single nucleotide variant.
Coding change: c.780-15T>A on transcript NM_001430.5 (MANE Select); 15 bases into the intron before coding-DNA position 780, T replaced by A.
Molecular consequence: intron variant.
Genome position (GRCh38, 1-based): chr2:46,369,812, T>A. VCF-style: chr2-46369812-T-A. GRCh37 (hg19) VCF-style: chr2-46596951-T-A.
Identifiers: ClinVar variation 336252 (VCV000336252.15), dbSNP rs17035079, ClinGen allele CA1644769.